The following is an entry in ClinVar:

ClinVar aggregate classification (germline): Uncertain significance. Review status: criteria provided, multiple submitters, no conflicts (2 of 4 stars). 3 submissions from 3 submitters: Uncertain significance (3). Last evaluated 2026-01-09.

Conditions:
Inborn genetic diseases. Identifiers: MedGen C0950123, MeSH D030342.

Allele frequency attached by ClinVar (database versions not stated): ExAC 0.00001; gnomAD 0.00001; TOPMed 0.00001; gnomAD exomes 0.00003.
gnomAD v4.1: 40 of 1,613,852 alleles (0.0025%); highest among the groups gnomAD compares: Non-Finnish European, 0.0033%; no homozygotes.

Submissions (3):

Ambry Genetics
Classification: Uncertain significance for Inborn genetic diseases. Last evaluated: 2026-01-09. Review status: criteria provided, single submitter. Criteria: Ambry Variant Classification Scheme 2023. Collection method: clinical testing. Allele origin: germline.

Blueprint Genetics
Classification: Uncertain significance. Last evaluated: 2024-09-11. Review status: criteria provided, single submitter. Criteria: ACMG Guidelines, 2015. Collection method: clinical testing. Allele origin: germline.

Labcorp Genetics (formerly Invitae), Labcorp
Classification: Uncertain significance. Last evaluated: 2022-06-13. Review status: criteria provided, single submitter. Criteria: Invitae Variant Classification Sherloc (09022015). Collection method: clinical testing. Allele origin: germline.
Comment: This sequence change replaces isoleucine, which is neutral and non-polar, with valine, which is neutral and non-polar, at codon 185 of the MYO7A protein (p.Ile185Val). This variant is present in population databases (rs781798661, gnomAD 0.0009%). This variant has not been reported in the literature in individuals affected with MYO7A-related conditions. Advanced modeling of protein sequence and biophysical properties (such as structural, functional, and spatial information, amino acid conservation, physicochemical variation, residue mobility, and thermodynamic stability) performed at Invitae indicates that this missense variant is not expected to disrupt MYO7A protein function. In summary, the available evidence is currently insufficient to determine the role of this variant in disease. Therefore, it has been classified as a Variant of Uncertain Significance.

NM_000260.4(MYO7A):c.553A>G (p.Ile185Val)

Gene: MYO7A (myosin VIIA; plus strand). Cytogenetic location: 11q13.5.
Variant type: single nucleotide variant.
Coding change: c.553A>G on transcript NM_000260.4 (MANE Select); coding-DNA position 553, A replaced by G.
Protein change: p.Ile185Val; replaces isoleucine 185 with valine.
Molecular consequence: missense variant.
Genome position (GRCh38, 1-based): chr11:77,156,742, A>G. VCF-style: chr11-77156742-A-G. GRCh37 (hg19) VCF-style: chr11-76867788-A-G.
Other names: c.553A>G, p.Ile185Val (NM_001127180.2); c.520A>G, p.Ile174Val (NM_001369365.1); c.553A>G (NM_000260.3); short protein forms I174V, I185V.
Identifiers: ClinVar variation 2185673 (VCV002185673.3), dbSNP rs781798661, ClinGen allele CA6197168.
Genomic context (GRCh38, chr11:77,156,742, plus strand): 5'-ACGGAGAGCACAAAGCTGATCCTGCAGTTCCTGGCAGCCATCAGTGGGCAGCACTCGTGG[A>G]TTGAGCAGCAGGTCTTGGAGGCCACCCCCATTCTGGAAGGTAGGACCAGAGTTCCGAGGG-3'
Protein context (NP_000251.3, residues 175-195): LAAISGQHSW[Ile185Val]EQQVLEATPI